The following is an entry in ClinVar:

NM_007373.4(SHOC2):c.580C>T (p.Leu194Phe)

Gene: SHOC2 (SHOC2 leucine rich repeat scaffold protein; plus strand). Cytogenetic location: 10q25.2.
Variant type: single nucleotide variant.
Coding change: c.580C>T on transcript NM_007373.4 (MANE Select); coding-DNA position 580, C replaced by T.
Protein change: p.Leu194Phe; replaces leucine 194 with phenylalanine.
Molecular consequence: missense variant.
Genome position (GRCh38, 1-based): chr10:110,964,938, C>T. VCF-style: chr10-110964938-C-T. GRCh37 (hg19) VCF-style: chr10-112724696-C-T.
Other names: c.580C>T, p.Leu194Phe (NM_001269039.3, NM_001324336.2, NM_001324337.2); short protein forms L194F.
Identifiers: ClinVar variation 2724657 (VCV002724657.3), dbSNP rs2493840206, ClinGen allele CA378386151.
Genomic context (GRCh38, chr10:110,964,938, plus strand): 5'-CTTGATTTACGGCATAATAAACTGAGAGAAATTCCTTCAGTGGTGTATAGGCTGGATTCT[C>T]TCACCACTCTTTACCTTCGCTTTAATCGTATAACTACTGTGGAAAAGGACATCAAAAACT-3'
Protein context (NP_031399.2, residues 184-204): IPSVVYRLDS[Leu194Phe]TTLYLRFNRI

ClinVar aggregate classification (germline): Uncertain significance (1 of 4 stars; one submission).

Conditions:
RASopathy. Also called: Noonan spectrum disorder; rasopathies. Identifiers: Orphanet 536391, MedGen C5555857, MONDO:0021060.

Allele frequency attached by ClinVar (database versions not stated): gnomAD exomes below 0.00001.
gnomAD v4.1: 3 of 1,613,740 alleles (0.00019%); highest among the groups gnomAD compares: Non-Finnish European, 0.00025%; no homozygotes.

Submission:

Labcorp Genetics (formerly Invitae), Labcorp
Classification: Uncertain significance for RASopathy. Last evaluated: 2024-05-08. Review status: criteria provided, single submitter. Criteria: Invitae Variant Classification Sherloc (09022015). Collection method: clinical testing. Allele origin: germline.
Comment: This sequence change replaces leucine, which is neutral and non-polar, with phenylalanine, which is neutral and non-polar, at codon 194 of the SHOC2 protein (p.Leu194Phe). This variant is not present in population databases (gnomAD no frequency). This variant has not been reported in the literature in individuals affected with SHOC2-related conditions. Advanced modeling of protein sequence and biophysical properties (such as structural, functional, and spatial information, amino acid conservation, physicochemical variation, residue mobility, and thermodynamic stability) has been performed at Invitae for this missense variant, however the output from this modeling did not meet the statistical confidence thresholds required to predict the impact of this variant on SHOC2 protein function. In summary, the available evidence is currently insufficient to determine the role of this variant in disease. Therefore, it has been classified as a Variant of Uncertain Significance.